The following is an entry in ClinVar:

ClinVar aggregate classification (germline): Uncertain significance (1 of 4 stars; one submission).

Conditions:
Progressive sclerosing poliodystrophy (MTDPS4A). Also called: Mitochondrial DNA depletion syndrome 4A (Alpers type); ALPERS PROGRESSIVE INFANTILE POLIODYSTROPHY; NEURONAL DEGENERATION OF CHILDHOOD WITH LIVER DISEASE, PROGRESSIVE; Alpers Syndrome; ALPERS DIFFUSE DEGENERATION OF CEREBRAL GRAY MATTER WITH HEPATIC CIRRHOSIS; Alpers-Huttenlocher Syndrome. Identifiers: Orphanet 726, MedGen C0205710, MONDO:0008758, OMIM 203700.

Submission:

Labcorp Genetics (formerly Invitae), Labcorp
Classification: Uncertain significance for Progressive sclerosing poliodystrophy. Last evaluated: 2023-03-08. Review status: criteria provided, single submitter. Criteria: Invitae Variant Classification Sherloc (09022015). Collection method: clinical testing. Allele origin: germline.
Comment: Advanced modeling of protein sequence and biophysical properties (such as structural, functional, and spatial information, amino acid conservation, physicochemical variation, residue mobility, and thermodynamic stability) performed at Invitae indicates that this missense variant is expected to disrupt POLG protein function. This sequence change replaces glycine, which is neutral and non-polar, with cysteine, which is neutral and slightly polar, at codon 888 of the POLG protein (p.Gly888Cys). This variant is not present in population databases (gnomAD no frequency). This variant has not been reported in the literature in individuals affected with POLG-related conditions. This variant disrupts the p.Gly888 amino acid residue in POLG. Other variant(s) that disrupt this residue have been observed in individuals with POLG-related conditions (PMID: 17923349, 21880868, 22980518), which suggests that this may be a clinically significant amino acid residue. In summary, the available evidence is currently insufficient to determine the role of this variant in disease. Therefore, it has been classified as a Variant of Uncertain Significance.

Literature cited by the submitters: PubMed 17923349; PubMed 21880868; PubMed 22980518.

NM_002693.3(POLG):c.2662G>T (p.Gly888Cys)

Gene: POLG (DNA polymerase gamma, catalytic subunit; minus strand). Cytogenetic location: 15q26.1.
Variant type: single nucleotide variant.
Coding change: c.2662G>T on transcript NM_002693.3 (MANE Select); coding-DNA position 2662, G replaced by T.
Protein change: p.Gly888Cys; replaces glycine 888 with cysteine.
Molecular consequence: missense variant.
Genome position (GRCh38, 1-based): chr15:89,321,197, C>A on the plus strand (G>T on the coding strand, the complement: POLG is on the minus strand). VCF-style: chr15-89321197-C-A. GRCh37 (hg19) VCF-style: chr15-89864428-C-A.
Other names: c.2662G>T, p.Gly888Cys (NM_001126131.2); short protein forms G888C.
Identifiers: ClinVar variation 2869306 (VCV002869306.3), dbSNP rs1567186787, ClinGen allele CA393753753.